The following is an entry in ClinVar:

NM_013432.5(TONSL):c.966del (p.Lys323fs)

Gene: TONSL (tonsoku like, DNA repair protein; minus strand). Cytogenetic location: 8q24.3.
Variant type: Deletion.
Coding change: c.966del on transcript NM_013432.5 (MANE Select); coding-DNA position 966, one base deleted (C; older notation c.966delC).
Protein change: p.Lys323fs; shifts the reading frame from lysine 323.
Molecular consequence: frameshift variant.
Genome position (GRCh38, 1-based): chr8:144,441,011, G deleted on the plus strand (C on the coding strand, the reverse complement: TONSL is on the minus strand); the first of 2 consecutive G bases (chr8:144,441,011-144,441,012); deleting either gives the same sequence. VCF-style (leftmost placement, unchanged base first): chr8-144441010-TG-T. GRCh37 (hg19) VCF-style: chr8-145666393-TG-T.
Other names: short protein forms K323fs.
Identifiers: ClinVar variation 3615675 (VCV003615675.2).

ClinVar aggregate classification (germline): Pathogenic (1 of 4 stars; one submission).

Submission:

Labcorp Genetics (formerly Invitae), Labcorp
Classification: Pathogenic. Last evaluated: 2024-07-29. Review status: criteria provided, single submitter. Criteria: Invitae Variant Classification Sherloc (09022015). Collection method: clinical testing. Allele origin: germline.
Comment: This sequence change creates a premature translational stop signal (p.Lys323Argfs*43) in the TONSL gene. It is expected to result in an absent or disrupted protein product. Loss-of-function variants in TONSL are known to be pathogenic (PMID: 30773277). This variant is present in population databases (no rsID available, gnomAD 0.002%). This variant has not been reported in the literature in individuals affected with TONSL-related conditions. Algorithms developed to predict the effect of sequence changes on RNA splicing suggest that this variant may disrupt the consensus splice site. For these reasons, this variant has been classified as Pathogenic.

Literature cited by the submitters: PubMed 30773277.